The following is an entry in ClinVar:

NM_000019.4(ACAT1):c.316C>T (p.Gln106Ter)

Gene: ACAT1 (acetyl-CoA acetyltransferase 1; plus strand). Cytogenetic location: 11q22.3.
Variant type: single nucleotide variant.
Coding change: c.316C>T on transcript NM_000019.4 (MANE Select); coding-DNA position 316, C replaced by T.
Protein change: p.Gln106Ter; replaces glutamine 106 with a stop codon.
Molecular consequence: nonsense. On other transcripts: non-coding transcript variant (2), splice donor variant (1), intron variant (1).
Genome position (GRCh38, 1-based): chr11:108,134,298, C>T. VCF-style: chr11-108134298-C-T. GRCh37 (hg19) VCF-style: chr11-108005025-C-T.
Other names: c.316C>T, p.Gln106Ter (NM_001386677.1); c.46C>T, p.Gln16Ter (NM_001386681.1, NM_001386682.1, NM_001386685.1 and 6 more transcripts); c.37+2C>T (NM_001386679.1); c.120+2344C>T (NM_001386678.1); short protein forms Q106*, Q16*.
Identifiers: ClinVar variation 1374250 (VCV001374250.6), dbSNP rs2135336400, ClinGen allele CA382506630.

ClinVar aggregate classification (germline): Pathogenic (1 of 4 stars; one submission).

Conditions:
Deficiency of acetyl-CoA acetyltransferase. Also called: MITOCHONDRIAL ACETOACETYL-CoA THIOLASE DEFICIENCY; Beta-ketothiolase deficiency; 3-KETOTHIOLASE DEFICIENCY; 3-OXOTHIOLASE DEFICIENCY. Identifiers: Orphanet 134, MedGen C1536500, MONDO:0008760, OMIM 203750. Disease mechanism: loss of function.

Submission:

Labcorp Genetics (formerly Invitae), Labcorp
Classification: Pathogenic for Deficiency of acetyl-CoA acetyltransferase. Last evaluated: 2021-06-01. Review status: criteria provided, single submitter. Criteria: Invitae Variant Classification Sherloc (09022015). Collection method: clinical testing. Allele origin: germline.
Comment: This sequence change creates a premature translational stop signal (p.Gln106*) in the ACAT1 gene. It is expected to result in an absent or disrupted protein product. Loss-of-function variants in ACAT1 are known to be pathogenic (PMID: 7749408). This variant is not present in population databases (ExAC no frequency). This variant has not been reported in the literature in individuals with ACAT1-related conditions. Algorithms developed to predict the effect of sequence changes on RNA splicing suggest that this variant may create or strengthen a splice site, but this prediction has not been confirmed by published transcriptional studies. For these reasons, this variant has been classified as Pathogenic.

Literature cited by the submitters: PubMed 7749408.